The following is an entry in ClinVar:

ClinVar aggregate classification (germline): Likely benign. Review status: criteria provided, multiple submitters, no conflicts (2 of 4 stars). 3 submissions from 3 submitters: Likely benign (2). 1 of the submissions does not count toward it. Last evaluated 2025-03-13.

Conditions:
SETD2-related disorder.
Luscan-Lumish syndrome. Identifiers: Orphanet 597738, MedGen C4085873, MONDO:0014791, OMIM 616831.

Allele frequency attached by ClinVar (database versions not stated): gnomAD exomes 0.00005 and 0.00010; ExAC 0.00010; ESP Exome Variant Server 0.00023; TOPMed 0.00037; gnomAD 0.00040 and 0.00047.
gnomAD v4.1: 129 of 1,610,850 alleles (0.008%); highest among the groups gnomAD compares: African/African-American, 0.13%; no homozygotes.

Submissions (3):

Labcorp Genetics (formerly Invitae), Labcorp
Classification: Likely benign for Luscan-Lumish syndrome. Last evaluated: 2025-03-13. Review status: criteria provided, single submitter. Criteria: Invitae Variant Classification Sherloc (09022015). Collection method: clinical testing. Allele origin: germline.

Blueprint Genetics
Classification: Likely benign. Last evaluated: 2024-07-08. Review status: criteria provided, single submitter. Criteria: ACMG Guidelines, 2015. Collection method: clinical testing. Allele origin: germline.

PreventionGenetics, part of Exact Sciences
Classification: Likely benign for SETD2-related condition. Last evaluated: 2021-09-14. Review status: no assertion criteria provided. Collection method: clinical testing. Allele origin: germline. Not counted in ClinVar's aggregate classification.
Comment: This variant is classified as likely benign based on ACMG/AMP sequence variant interpretation guidelines (Richards et al. 2015 PMID: 25741868, with internal and published modifications).

NM_014159.7(SETD2):c.6066A>G (p.Val2022=)

Gene: SETD2 (SET domain containing 2, histone lysine methyltransferase; minus strand). Cytogenetic location: 3p21.31.
Variant type: single nucleotide variant.
Coding change: c.6066A>G on transcript NM_014159.7 (MANE Select); coding-DNA position 6066, A replaced by G.
Protein change: p.Val2022=; no amino-acid change (valine 2022 retained).
Molecular consequence: synonymous variant. On other transcripts: non-coding transcript variant (1).
Genome position (GRCh38, 1-based): chr3:47,067,113, T>C on the plus strand (A>G on the coding strand, the complement: SETD2 is on the minus strand). VCF-style: chr3-47067113-T-C. GRCh37 (hg19) VCF-style: chr3-47108603-T-C.
Other names: c.5934A>G, p.Val1978= (NM_001349370.3).
Identifiers: ClinVar variation 721750 (VCV000721750.12), dbSNP rs149499141, ClinGen allele CA2362803.